The following is an entry in ClinVar:

ClinVar aggregate classification (germline): Likely benign (1 of 4 stars; one submission).

gnomAD v4.1: 12 of 442,466 alleles (0.0027%); highest among the groups gnomAD compares: Non-Finnish European, 0.005%; no homozygotes.

Submission:

Molecular Diagnostic Laboratory for Inherited Cardiovascular Disease, Montreal Heart Institute
Classification: Likely benign. Last evaluated: 2026-03-27. Review status: criteria provided, single submitter. Criteria: ACMG Guidelines, 2015. Collection method: clinical testing. Allele origin: germline. Affected: no.
Comment: BS1

NM_016203.4(PRKAG2):c.1234-752T>A

Gene: PRKAG2 (protein kinase AMP-activated non-catalytic subunit gamma 2; minus strand). Cytogenetic location: 7q36.1.
Variant type: single nucleotide variant.
Coding change: c.1234-752T>A on transcript NM_016203.4 (MANE Select); 752 bases into the intron before coding-DNA position 1234, T replaced by A.
Molecular consequence: intron variant.
Genome position (GRCh38, 1-based): chr7:151,566,637, A>T on the plus strand (T>A on the coding strand, the complement: PRKAG2 is on the minus strand). VCF-style: chr7-151566637-A-T. GRCh37 (hg19) VCF-style: chr7-151263723-A-T.
Other names: c.943-752T>A (NM_001407031.1); c.946-752T>A (NM_001407030.1); c.1231-752T>A (NM_001407023.1, NM_001407022.1); c.1234-752T>A (NM_001407021.1); c.916-752T>A (NM_001407032.1); c.1099-752T>A (NM_001407026.1, NM_001407027.1); c.1102-752T>A (NM_001040633.2, NM_001407024.1); c.910-752T>A (NM_001407033.1); and 6 more.
Identifiers: ClinVar variation 4820394 (VCV004820394.1), dbSNP rs922954256.